The following is an entry in ClinVar:

ClinVar aggregate classification (germline): Uncertain significance. Review status: criteria provided, multiple submitters, no conflicts (2 of 4 stars). 2 submissions from 2 submitters: Uncertain significance (2). Last evaluated 2024-05-26.

Conditions:
Inborn genetic diseases. Identifiers: MedGen C0950123, MeSH D030342.

Allele frequency attached by ClinVar (database versions not stated): 1000 Genomes Project 30x 0.00016; gnomAD exomes 0.00006; ExAC 0.00007; ESP Exome Variant Server 0.00015; 1000 Genomes Project 0.00020.
gnomAD v4.1: 78 of 1,614,180 alleles (0.0048%); highest among the groups gnomAD compares: African/African-American, 0.095%; 1 homozygote.

Submissions (2):

Ambry Genetics
Classification: Uncertain significance for Inborn genetic diseases. Last evaluated: 2024-05-26. Review status: criteria provided, single submitter. Criteria: Ambry Variant Classification Scheme 2023. Collection method: clinical testing. Allele origin: germline.

Labcorp Genetics (formerly Invitae), Labcorp
Classification: Uncertain significance. Last evaluated: 2022-04-08. Review status: criteria provided, single submitter. Criteria: Invitae Variant Classification Sherloc (09022015). Collection method: clinical testing. Allele origin: germline.
Comment: This variant is present in population databases (rs149915672, gnomAD 0.1%). This variant has not been reported in the literature in individuals affected with RDX-related conditions. Algorithms developed to predict the effect of missense changes on protein structure and function (SIFT, PolyPhen-2, Align-GVGD) all suggest that this variant is likely to be tolerated. In summary, the available evidence is currently insufficient to determine the role of this variant in disease. Therefore, it has been classified as a Variant of Uncertain Significance. This sequence change replaces glutamic acid, which is acidic and polar, with aspartic acid, which is acidic and polar, at codon 499 of the RDX protein (p.Glu499Asp).

NM_002906.4(RDX):c.1497A>T (p.Glu499Asp)

Gene: RDX (radixin; minus strand). Cytogenetic location: 11q22.3.
Variant type: single nucleotide variant.
Coding change: c.1497A>T on transcript NM_002906.4 (MANE Select); coding-DNA position 1497, A replaced by T.
Protein change: p.Glu499Asp; replaces glutamic acid 499 with aspartic acid.
Molecular consequence: missense variant. On other transcripts: intron variant (1).
Genome position (GRCh38, 1-based): chr11:110,233,327, T>A on the plus strand (A>T on the coding strand, the complement: RDX is on the minus strand). VCF-style: chr11-110233327-T-A. GRCh37 (hg19) VCF-style: chr11-110104052-T-A.
Other names: c.1497A>T, p.Glu499Asp (NM_001260492.2, NM_001260493.2); c.1089A>T, p.Glu363Asp (NM_001260494.2); c.456A>T, p.Glu152Asp (NM_001260495.2); c.405-1323A>T (NM_001260496.2); c.1497A>T (NM_002906.3); short protein forms E152D, E499D, E363D.
Identifiers: ClinVar variation 1421978 (VCV001421978.5), dbSNP rs149915672, ClinGen allele CA6269962.